The following is an entry in ClinVar:

ClinVar aggregate classification (germline): Uncertain significance (1 of 4 stars; one submission).

gnomAD v4.1: 1 of 1,606,830 alleles (0.000062%); highest among the groups gnomAD compares: Non-Finnish European, 0.000085%; no homozygotes.

Submission:

Ambry Genetics
Classification: Uncertain significance. Last evaluated: 2026-01-20. Review status: criteria provided, single submitter. Criteria: Ambry Variant Classification Scheme 2023. Collection method: clinical testing. Allele origin: germline.
Comment: The p.Q362R variant (also known as c.1085A>G), located in coding exon 10 of the SRP72 gene, results from an A to G substitution at nucleotide position 1085. The glutamine at codon 362 is replaced by arginine, an amino acid with highly similar properties. This amino acid position is conserved. In addition, the in silico prediction for this alteration is inconclusive. Based on the available evidence, the clinical significance of this variant remains unclear.

NM_006947.4(SRP72):c.1085A>G (p.Gln362Arg)

Gene: SRP72 (signal recognition particle 72; plus strand). Cytogenetic location: 4q12.
Variant type: single nucleotide variant.
Coding change: c.1085A>G on transcript NM_006947.4 (MANE Select); coding-DNA position 1085, A replaced by G.
Protein change: p.Gln362Arg; replaces glutamine 362 with arginine.
Molecular consequence: missense variant. On other transcripts: non-coding transcript variant (1).
Genome position (GRCh38, 1-based): chr4:56,484,863, A>G. VCF-style: chr4-56484863-A-G. GRCh37 (hg19) VCF-style: chr4-57351029-A-G.
Other names: c.902A>G, p.Gln301Arg (NM_001267722.2); short protein forms Q301R, Q362R.
Identifiers: ClinVar variation 4844205 (VCV004844205.1).